The following is an entry in ClinVar:

NC_012920.1(MT-CO2):m.8108A>G

Gene: MT-CO2 (mitochondrially encoded cytochrome c oxidase II; plus strand).
Variant type: single nucleotide variant.
Genome position: chrM-8108-A-G.
Identifiers: ClinVar variation 692821 (VCV000692821.1), dbSNP rs1603221288, ClinGen allele CA414795069.

ClinVar aggregate classification (germline): Benign (1 of 4 stars; one submission).

Conditions:
Leigh syndrome (NULS). Also called: Leigh's necrotizing encephalopathy; Leigh's disease; Leigh Syndrome (mtDNA deletion); Leigh Disease; Subacute necrotizing encephalopathy; Necrotizing encephalopathy infantile subacute of Leigh. Identifiers: Orphanet 506, MedGen C2931891, MONDO:0009723, OMIM 256000.

Submission:

Wong Mito Lab, Molecular and Human Genetics, Baylor College of Medicine
Classification: Benign for Leigh syndrome. Last evaluated: 2019-10-17. Review status: criteria provided, single submitter. Criteria: Modified ACMG Guidelines (Unpublished). Collection method: clinical testing. Allele origin: germline.
Comment: The NC_012920.1:m.8108A>G (YP_003024029.1:p.Ile175Val) variant in MTCO2 gene is interpretated to be a Benign variant based on the modified ACMG guidelines (unpublished). This variant meets the following evidence codes: BS1, BS2, BP4